The following is an entry in ClinVar:

NM_001379200.1(TBX1):c.230A>T (p.His77Leu)

Gene: TBX1 (T-box transcription factor 1; plus strand). Cytogenetic location: 22q11.21.
Variant type: single nucleotide variant.
Coding change: c.230A>T on transcript NM_001379200.1 (MANE Select); coding-DNA position 230, A replaced by T.
Protein change: p.His77Leu; replaces histidine 77 with leucine.
Molecular consequence: missense variant.
Genome position (GRCh38, 1-based): chr22:19,761,073, A>T. VCF-style: chr22-19761073-A-T. GRCh37 (hg19) VCF-style: chr22-19748596-A-T.
Other names: c.203A>T, p.His68Leu (NM_005992.1, NM_080646.2, NM_080647.1); short protein forms H77L, H68L.
Identifiers: ClinVar variation 2078367 (VCV002078367.5), dbSNP rs2517842235, ClinGen allele CA410681420.

ClinVar aggregate classification (germline): Uncertain significance. Review status: criteria provided, multiple submitters, no conflicts (2 of 4 stars). 2 submissions from 2 submitters: Uncertain significance (2). Last evaluated 2025-10-29.

Conditions:
Cardiovascular phenotype. Identifiers: MedGen CN230736.
DiGeorge syndrome. Also called: Catch22; THIRD AND FOURTH PHARYNGEAL POUCH SYNDROME. Identifiers: Orphanet 567, MedGen C0012236, MONDO:0008564, OMIM 188400.

Allele frequency attached by ClinVar (database versions not stated): gnomAD exomes below 0.00001.
gnomAD v4.1: 2 of 948,404 alleles (0.00021%); highest among the groups gnomAD compares: Non-Finnish European, 0.00025%; no homozygotes.

Submissions (2):

Ambry Genetics
Classification: Uncertain significance for Cardiovascular phenotype. Last evaluated: 2025-10-29. Review status: criteria provided, single submitter. Criteria: Ambry Variant Classification Scheme 2023. Collection method: clinical testing. Allele origin: germline.

Labcorp Genetics (formerly Invitae), Labcorp
Classification: Uncertain significance for DiGeorge syndrome. Last evaluated: 2024-10-30. Review status: criteria provided, single submitter. Criteria: Invitae Variant Classification Sherloc (09022015). Collection method: clinical testing. Allele origin: germline.
Comment: This sequence change replaces histidine, which is basic and polar, with leucine, which is neutral and non-polar, at codon 68 of the TBX1 protein (p.His68Leu). The frequency data for this variant in the population databases is considered unreliable, as metrics indicate insufficient coverage at this position in the gnomAD database. This variant has not been reported in the literature in individuals affected with TBX1-related conditions. ClinVar contains an entry for this variant (Variation ID: 2078367). Invitae Evidence Modeling of protein sequence and biophysical properties (such as structural, functional, and spatial information, amino acid conservation, physicochemical variation, residue mobility, and thermodynamic stability) indicates that this missense variant is not expected to disrupt TBX1 protein function with a negative predictive value of 80%. In summary, the available evidence is currently insufficient to determine the role of this variant in disease. Therefore, it has been classified as a Variant of Uncertain Significance.